The following is an entry in ClinVar:

NM_033409.4(SLC52A3):c.250G>A (p.Val84Ile)

Gene: SLC52A3 (solute carrier family 52 member 3; minus strand). Cytogenetic location: 20p13.
Variant type: single nucleotide variant.
Coding change: c.250G>A on transcript NM_033409.4 (MANE Select); coding-DNA position 250, G replaced by A.
Protein change: p.Val84Ile; replaces valine 84 with isoleucine.
Molecular consequence: missense variant.
Genome position (GRCh38, 1-based): chr20:765,525, C>T on the plus strand (G>A on the coding strand, the complement: SLC52A3 is on the minus strand). VCF-style: chr20-765525-C-T. GRCh37 (hg19) VCF-style: chr20-746169-C-T.
Other names: c.250G>A, p.Val84Ile (NM_001370085.1, NM_001370086.1); short protein forms V84I.
Identifiers: ClinVar variation 663811 (VCV000663811.6), dbSNP rs142064992, ClinGen allele CA9724812.

ClinVar aggregate classification (germline): Uncertain significance (1 of 4 stars; one submission).

Conditions:
Brown-Vialetto-van Laere syndrome 1. Also called: BROWN-VIALETTO-VAN LAERE SYNDROME 1, MILD; BULBAR PALSY, PROGRESSIVE, WITH SENSORINEURAL DEAFNESS; PONTOBULBAR PALSY WITH DEAFNESS. Identifiers: Orphanet 572550, Orphanet 97229, MedGen C0796274, MONDO:0024537, OMIM 211530.

Allele frequency attached by ClinVar (database versions not stated): gnomAD 0.00002; gnomAD exomes 0.00003 and 0.00002; ESP Exome Variant Server 0.00008; TOPMed 0.00002; ExAC 0.00007.

Submission:

Labcorp Genetics (formerly Invitae), Labcorp
Classification: Uncertain significance for Brown-Vialetto-van Laere syndrome 1. Last evaluated: 2022-07-22. Review status: criteria provided, single submitter. Criteria: Invitae Variant Classification Sherloc (09022015). Collection method: clinical testing. Allele origin: germline.
Comment: In summary, the available evidence is currently insufficient to determine the role of this variant in disease. Therefore, it has been classified as a Variant of Uncertain Significance. Algorithms developed to predict the effect of missense changes on protein structure and function output the following: SIFT: "Tolerated"; PolyPhen-2: "Benign"; Align-GVGD: "Class C0". The isoleucine amino acid residue is found in multiple mammalian species, which suggests that this missense change does not adversely affect protein function. ClinVar contains an entry for this variant (Variation ID: 663811). This variant has not been reported in the literature in individuals affected with SLC52A3-related conditions. The frequency data for this variant in the population databases is considered unreliable, as metrics indicate poor data quality at this position in the gnomAD database. This sequence change replaces valine, which is neutral and non-polar, with isoleucine, which is neutral and non-polar, at codon 84 of the SLC52A3 protein (p.Val84Ile).